The following is an entry in ClinVar:

NM_001009944.3(PKD1):c.6571C>T (p.Arg2191Cys)

Gene: PKD1 (polycystin 1, transient receptor potential channel interacting; minus strand). Cytogenetic location: 16p13.3.
Variant type: single nucleotide variant.
Coding change: c.6571C>T on transcript NM_001009944.3 (MANE Select); coding-DNA position 6571, C replaced by T.
Protein change: p.Arg2191Cys; replaces arginine 2191 with cysteine.
Molecular consequence: missense variant.
Genome position (GRCh38, 1-based): chr16:2,108,596, G>A on the plus strand (C>T on the coding strand, the complement: PKD1 is on the minus strand). VCF-style: chr16-2108596-G-A. GRCh37 (hg19) VCF-style: chr16-2158597-G-A.
Other names: c.6571C>T, p.Arg2191Cys (NM_000296.4); short protein forms R2191C.
Identifiers: ClinVar variation 3075694 (VCV003075694.3), dbSNP rs375006983, ClinGen allele CA7831562.

ClinVar aggregate classification (germline): Conflicting classifications of pathogenicity. Review status: criteria provided, conflicting classifications (1 of 4 stars). 3 submissions from 3 submitters: Likely pathogenic (1); Uncertain significance (2). Last evaluated 2025-12-04.

Conditions:
Polycystic kidney disease, adult type (PKD1). Also called: POLYCYSTIC KIDNEY DISEASE 1 WITH OR WITHOUT POLYCYSTIC LIVER DISEASE; Polycystic Kidney Disease 1, Autosomal Dominant; Polycystic kidney disease 1; Polycystic kidney disease 1, severe; POLYCYSTIC KIDNEY DISEASE, ADULT, TYPE I; Polycystic Kidney, Autosomal Dominant. Identifiers: MedGen C3149841, MONDO:0008263, OMIM 173900.

Allele frequency attached by ClinVar (database versions not stated): gnomAD 0.00002; gnomAD exomes 0.00002; ExAC 0.00008; ESP Exome Variant Server 0.00008; 1000 Genomes Project 30x 0.00031; 1000 Genomes Project 0.00040.
gnomAD v4.1: 28 of 1,558,144 alleles (0.0018%); highest among the groups gnomAD compares: East Asian, 0.0048%; no homozygotes.

Submissions (3):

Victorian Clinical Genetics Services, Murdoch Childrens Research Institute
Classification: Uncertain significance for Polycystic kidney disease, adult type. Last evaluated: 2025-12-04. Review status: criteria provided, single submitter. Criteria: ACMG Guidelines, 2015. Collection method: clinical testing. Allele origin: germline. Affected: yes.
Comment: This variant is classified as VUS-3A. Evidence in support of pathogenic classification: Variant is present in gnomAD <0.001 for a dominant condition (v4: 28 heterozygote(s), 0 homozygote(s)); This variant has moderate previous evidence of pathogenicity in unrelated individuals. This variant has been classified as likely pathogenic and as a VUS by clinical laboratories in ClinVar. It has also been reported in the literature, including once as de novo, in individuals with ADPKD (PMIDs: 32779812, 38527221, 40993696, 32457805). Additional information: Variant is predicted to result in a missense amino acid change from Arg to Cys; This variant is heterozygous; This gene is associated with autosomal dominant disease. Polycystic kidney disease 1 (MIM#173900) is predominantly caused by monoallelic variants, with rare reports of biallelic variants causing disease (OMIM); Alternative amino acid change(s) at the same position are present in gnomAD (highest allele count: v4: 193 heterozygote(s), 0 homozygote(s)); No published functional evidence has been identified for this variant; Another missense variant(s) comparable to the one identified in this case has inconclusive previous evidence for pathogenicity. p.(Arg2191His) has been classified as likely benign by clinical laboratories (ClinVar, PKDB). It has also been reported in an individual with PKD, in cis with another variant that is classified as likely benign/VUS, and in trans with a de novo NMD-predicted variant (ClinVar, PMID: 33168999); Variant is located in the annotated REJ domain (DECIPHER); Missense variant with inconclusive in silico prediction and/or uninformative conservation; Loss of function is a known mechanism of disease in this gene and is associated with polycystic kidney disease 1 (MIM#173900); Inheritance information for this variant is not currently available in this individual.

Fulgent Genetics
Classification: Uncertain significance for Polycystic kidney disease, adult type. Last evaluated: 2024-05-13. Review status: criteria provided, single submitter. Criteria: ACMG Guidelines, 2015. Collection method: clinical testing. Allele origin: germline.

Medical Genetics Center, Maternal and Child Health Hospital of Hubei Province
Classification: Likely pathogenic for Polycystic kidney disease, adult type. Last evaluated: 2021-09-07. Review status: criteria provided, single submitter. Criteria: ACMG Guidelines, 2015. Collection method: clinical testing. Allele origin: unknown. Affected: yes.

Literature cited by the submitters: PubMed 32779812 (cited by Victorian Clinical Genetics Services, Murdoch Childrens Research Institute); PubMed 32457805 (cited by Victorian Clinical Genetics Services, Murdoch Childrens Research Institute and Medical Genetics Center, Maternal and Child Health Hospital of Hubei Province); PubMed 38527221 (cited by Victorian Clinical Genetics Services, Murdoch Childrens Research Institute); PubMed 33168999 (cited by Victorian Clinical Genetics Services, Murdoch Childrens Research Institute); PubMed 40993696 (cited by Victorian Clinical Genetics Services, Murdoch Childrens Research Institute).